The following is an entry in ClinVar:

NM_020822.3(KCNT1):c.3223G>A (p.Val1075Met)

Gene: KCNT1 (potassium sodium-activated channel subfamily T member 1; plus strand). Cytogenetic location: 9q34.3.
Variant type: single nucleotide variant.
Coding change: c.3223G>A on transcript NM_020822.3 (MANE Select); coding-DNA position 3223, G replaced by A.
Protein change: p.Val1075Met; replaces valine 1075 with methionine.
Molecular consequence: missense variant.
Genome position (GRCh38, 1-based): chr9:135,786,242, G>A. VCF-style: chr9-135786242-G-A. GRCh37 (hg19) VCF-style: chr9-138678088-G-A.
Other names: c.3088G>A, p.Val1030Met (NM_001272003.2); short protein forms V1030M, V1075M.
Identifiers: ClinVar variation 994272 (VCV000994272.20), dbSNP rs771889785, ClinGen allele CA5327752.

ClinVar aggregate classification (germline): Conflicting classifications of pathogenicity. Review status: criteria provided, conflicting classifications (1 of 4 stars). 6 submissions from 5 submitters: Uncertain significance (5); Likely benign (1). Last evaluated 2026-01-27.

Conditions:
Autosomal dominant nocturnal frontal lobe epilepsy 5. Also called: CILIARY DYSKINESIA, PRIMARY, 28, WITHOUT SITUS INVERSUS; CILIARY DYSKINESIA, PRIMARY, 28, WITH SITUS INVERSUS; Epilepsy, nocturnal frontal lobe, 5; KCNT1-Related Epilepsy. Identifiers: Orphanet 98784, MedGen C3554306, MONDO:0014002, OMIM 615005.
Developmental and epileptic encephalopathy, 14 (DEE14). Also called: Early infantile epileptic encephalopathy 14. Identifiers: Orphanet 293181, MedGen C3554195, MONDO:0013989, OMIM 614959.

Allele frequency attached by ClinVar (database versions not stated): gnomAD exomes below 0.00001; TOPMed below 0.00001; ExAC 0.00001; gnomAD 0.00001.
gnomAD v4.1: 4 of 1,611,544 alleles (0.00025%); highest among the groups gnomAD compares: African/African-American, 0.0013%; no homozygotes.

Submissions (6):

Women's Health and Genetics/Laboratory Corporation of America, LabCorp
Classification: Uncertain significance. Last evaluated: 2026-01-27. Review status: criteria provided, single submitter. Criteria: LabCorp Variant Classification Summary - May 2015. Collection method: clinical testing. Allele origin: germline.
Comment: Variant summary: KCNT1 c.3223G>A (p.Val1075Met) results in a conservative amino acid change in the encoded protein sequence. Algorithms developed to predict the effect of missense changes on protein structure and function all suggest that this variant is likely to be tolerated. The variant allele was found at a frequency of 4.2e-06 in 236580 control chromosomes. The available data on variant occurrences in the general population are insufficient to allow any conclusion about variant significance. To our knowledge, no occurrence of c.3223G>A in individuals affected with KCNT1-related conditions and no experimental evidence demonstrating its impact on protein function have been reported. ClinVar contains an entry for this variant (Variation ID: 994272). Based on the evidence outlined above, the variant was classified as uncertain significance.

Labcorp Genetics (formerly Invitae), Labcorp
Classification: Uncertain significance for Autosomal dominant nocturnal frontal lobe epilepsy 5; Developmental and epileptic encephalopathy, 14. Last evaluated: 2026-01-19. Review status: criteria provided, single submitter. Criteria: Invitae Variant Classification Sherloc (09022015). Collection method: clinical testing. Allele origin: germline.
Comment: This sequence change replaces valine, which is neutral and non-polar, with methionine, which is neutral and non-polar, at codon 1075 of the KCNT1 protein (p.Val1075Met). This variant is present in population databases (rs771889785, gnomAD 0.003%). This variant has not been reported in the literature in individuals affected with KCNT1-related conditions. ClinVar contains an entry for this variant (Variation ID: 994272). Invitae Evidence Modeling of protein sequence and biophysical properties (such as structural, functional, and spatial information, amino acid conservation, physicochemical variation, residue mobility, and thermodynamic stability) indicates that this missense variant is not expected to disrupt KCNT1 protein function with a negative predictive value of 80%. In summary, the available evidence is currently insufficient to determine the role of this variant in disease. Therefore, it has been classified as a Variant of Uncertain Significance.

Blueprint Genetics
Classification: Likely benign. Last evaluated: 2024-05-18. Review status: criteria provided, single submitter. Criteria: ACMG Guidelines, 2015. Collection method: clinical testing. Allele origin: germline.

Genome-Nilou Lab
Classification: Uncertain significance for Developmental and epileptic encephalopathy, 14. Last evaluated: 2022-03-15. Review status: criteria provided, single submitter. Criteria: ACMG Guidelines, 2015. Collection method: clinical testing. Allele origin: germline. Affected: no.

Genome-Nilou Lab
Classification: Uncertain significance for Autosomal dominant nocturnal frontal lobe epilepsy 5. Last evaluated: 2022-03-15. Review status: criteria provided, single submitter. Criteria: ACMG Guidelines, 2015. Collection method: clinical testing. Allele origin: germline. Affected: no.

ARUP Laboratories, Molecular Genetics and Genomics, ARUP Laboratories
Classification: Uncertain significance. Last evaluated: 2020-04-03. Review status: criteria provided, single submitter. Criteria: ARUP Molecular Germline Variant Investigation Process. Collection method: clinical testing. Allele origin: germline.